The following is an entry in ClinVar:

NM_001197104.2(KMT2A):c.4680del (p.Lys1561fs)

Gene: KMT2A (lysine methyltransferase 2A; plus strand). Cytogenetic location: 11q23.3.
Variant type: Deletion.
Coding change: c.4680del on transcript NM_001197104.2 (MANE Select); coding-DNA position 4680, one base deleted (C; older notation c.4680delC).
Protein change: p.Lys1561fs; shifts the reading frame from lysine 1561.
Molecular consequence: frameshift variant.
Genome position (GRCh38, 1-based): chr11:118,490,233, C deleted; the last of 2 consecutive C bases (chr11:118,490,232-118,490,233); deleting either gives the same sequence. VCF-style (leftmost placement, unchanged base first): chr11-118490231-GC-G. GRCh37 (hg19) VCF-style: chr11-118360946-GC-G.
Other names: c.4680delC, p.Lys1561Serfs (NM_001197104.1); c.4779del, p.Lys1594fs (NM_001412597.1); c.4680del, p.Lys1561fs (NM_005933.4); short protein forms K1561fs, K1594fs.
Identifiers: ClinVar variation 4851764 (VCV004851764.1).

ClinVar aggregate classification (germline): Pathogenic (1 of 4 stars; one submission).

Conditions:
Wiedemann-Steiner syndrome (WDSTS). Also called: Growth deficiency and mental retardation with facial dysmorphism. Identifiers: Orphanet 319182, MedGen C1854630, MONDO:0011518, OMIM 605130.

Submission:

Greenwood Genetic Center Diagnostic Laboratories, Greenwood Genetic Center
Classification: Pathogenic for Wiedemann-Steiner syndrome. Last evaluated: 2025-01-23. Review status: criteria provided, single submitter. Criteria: ACMG Guidelines, 2015. Collection method: clinical testing. Allele origin: germline. Affected: yes.
Comment: PVS1, PS2, PM2